The following is an entry in ClinVar:

ClinVar aggregate classification (germline): Uncertain significance (1 of 4 stars; one submission).

Submission:

Ambry Genetics
Classification: Uncertain significance. Last evaluated: 2022-11-17. Review status: criteria provided, single submitter. Criteria: Ambry Variant Classification Scheme 2023. Collection method: clinical testing. Allele origin: germline.
Comment: The p.N1038K variant (also known as c.3114C>G), located in coding exon 1 of the MLH3 gene, results from a C to G substitution at nucleotide position 3114. The asparagine at codon 1038 is replaced by lysine, an amino acid with similar properties. This amino acid position is conserved. In addition, this alteration is predicted to be tolerated by in silico analysis. Since supporting evidence is limited at this time, the clinical significance of this alteration remains unclear.

NM_001040108.2(MLH3):c.3114C>G (p.Asn1038Lys)

Gene: MLH3 (mutL homolog 3; minus strand). Cytogenetic location: 14q24.3.
Variant type: single nucleotide variant.
Coding change: c.3114C>G on transcript NM_001040108.2 (MANE Select); coding-DNA position 3114, C replaced by G.
Protein change: p.Asn1038Lys; replaces asparagine 1038 with lysine.
Molecular consequence: missense variant.
Genome position (GRCh38, 1-based): chr14:75,046,542, G>C on the plus strand (C>G on the coding strand, the complement: MLH3 is on the minus strand). VCF-style: chr14-75046542-G-C. GRCh37 (hg19) VCF-style: chr14-75513245-G-C.
Other names: c.3114C>G, p.Asn1038Lys (NM_014381.3); short protein forms N1038K.
Identifiers: ClinVar variation 2448605 (VCV002448605.2), dbSNP rs1892236787, ClinGen allele CA390436189.
Genomic context (GRCh38, chr14:75,046,542, plus strand): 5'-GACATAAACCATTCTTCCCAGGGCTACATCGAAATGCCGCTGCCAATCTGAACAACACGT[G>C]TTTGACTCTTCAGTTTCAGAACAAGCTCTTGCTTTAGATTCCTCACTCTGAAAACAAATT-3'
Protein context (NP_001035197.1, residues 1028-1048): ARACSETEES[Asn1038Lys]TCCSDWQRHF